The following is an entry in ClinVar:

ClinVar aggregate classification (germline): Uncertain significance (1 of 4 stars; one submission).

Submission:

Labcorp Genetics (formerly Invitae), Labcorp
Classification: Uncertain significance. Last evaluated: 2024-10-29. Review status: criteria provided, single submitter. Criteria: Invitae Variant Classification Sherloc (09022015). Collection method: clinical testing. Allele origin: germline.
Comment: This sequence change falls in intron 21 of the MYO7A gene. It does not directly change the encoded amino acid sequence of the MYO7A protein. It affects a nucleotide within the consensus splice site. This variant is not present in population databases (gnomAD no frequency). This variant has not been reported in the literature in individuals affected with MYO7A-related conditions. ClinVar contains an entry for this variant (Variation ID: 2418883). Variants that disrupt the consensus splice site are a relatively common cause of aberrant splicing (PMID: 17576681, 9536098). Algorithms developed to predict the effect of sequence changes on RNA splicing suggest that this variant may disrupt the consensus splice site. In summary, the available evidence is currently insufficient to determine the role of this variant in disease. Therefore, it has been classified as a Variant of Uncertain Significance.

Literature cited by the submitters: PubMed 17576681; PubMed 9536098.

NM_000260.4(MYO7A):c.2586+5G>A

Gene: MYO7A (myosin VIIA; plus strand). Cytogenetic location: 11q13.5.
Variant type: single nucleotide variant.
Coding change: c.2586+5G>A on transcript NM_000260.4 (MANE Select); 5 bases into the intron after coding-DNA position 2586, G replaced by A.
Molecular consequence: intron variant.
Genome position (GRCh38, 1-based): chr11:77,179,958, G>A. VCF-style: chr11-77179958-G-A. GRCh37 (hg19) VCF-style: chr11-76891004-G-A.
Other names: c.2553+5G>A (NM_001369365.1); c.2586+5G>A (NM_001127180.2).
Identifiers: ClinVar variation 2418883 (VCV002418883.6), dbSNP rs2497179103, ClinGen allele CA2574931096.